The following is an entry in ClinVar:

NM_032806.6(POMGNT2):c.881G>A (p.Arg294Gln)

Gene: POMGNT2 (protein O-linked mannose N-acetylglucosaminyltransferase 2 (beta 1,4-); minus strand). Cytogenetic location: 3p22.1.
Variant type: single nucleotide variant.
Coding change: c.881G>A on transcript NM_032806.6 (MANE Select); coding-DNA position 881, G replaced by A.
Protein change: p.Arg294Gln; replaces arginine 294 with glutamine.
Molecular consequence: missense variant.
Genome position (GRCh38, 1-based): chr3:43,080,551, C>T on the plus strand (G>A on the coding strand, the complement: POMGNT2 is on the minus strand). VCF-style: chr3-43080551-C-T. GRCh37 (hg19) VCF-style: chr3-43122043-C-T.
Other names: c.881G>A (NM_032806.4); short protein forms R294Q.
Identifiers: ClinVar variation 2146306 (VCV002146306.3), dbSNP rs554787245, ClinGen allele CA2339971.

ClinVar aggregate classification (germline): Uncertain significance. Review status: criteria provided, multiple submitters, no conflicts (2 of 4 stars). 3 submissions from 3 submitters: Uncertain significance (3). Last evaluated 2025-03-25.

Conditions:
Muscular dystrophy-dystroglycanopathy (congenital with brain and eye anomalies), type a, 8 (MDDGA8). Also called: WALKER-WARBURG SYNDROME OR MUSCLE-EYE-BRAIN DISEASE, GTDC2-RELATED. Identifiers: Orphanet 899, MedGen C3553813, MONDO:0013904, OMIM 614830.
Inborn genetic diseases. Identifiers: MedGen C0950123, MeSH D030342.

Allele frequency attached by ClinVar (database versions not stated): ExAC 0.00001; TOPMed 0.00001; gnomAD 0.00002; 1000 Genomes Project 0.00020; 1000 Genomes Project 30x 0.00031.
gnomAD v4.1: 12 of 1,614,174 alleles (0.00074%); highest among the groups gnomAD compares: Admixed American, 0.0033%; no homozygotes.

Submissions (3):

Revvity Omics, Revvity
Classification: Uncertain significance. Last evaluated: 2025-03-25. Review status: criteria provided, single submitter. Criteria: ACMG Guidelines, 2015. Collection method: clinical testing. Allele origin: germline.

Ambry Genetics
Classification: Uncertain significance for Inborn genetic diseases. Last evaluated: 2025-01-29. Review status: criteria provided, single submitter. Criteria: Ambry Variant Classification Scheme 2023. Collection method: clinical testing. Allele origin: germline.

Labcorp Genetics (formerly Invitae), Labcorp
Classification: Uncertain significance for Muscular dystrophy-dystroglycanopathy (congenital with brain and eye anomalies), type a, 8. Last evaluated: 2022-03-18. Review status: criteria provided, single submitter. Criteria: Invitae Variant Classification Sherloc (09022015). Collection method: clinical testing. Allele origin: germline.
Comment: This sequence change replaces arginine, which is basic and polar, with glutamine, which is neutral and polar, at codon 294 of the POMGNT2 protein (p.Arg294Gln). This variant is present in population databases (rs554787245, gnomAD 0.003%). This variant has not been reported in the literature in individuals affected with POMGNT2-related conditions. Algorithms developed to predict the effect of missense changes on protein structure and function (SIFT, PolyPhen-2, Align-GVGD) all suggest that this variant is likely to be disruptive. In summary, the available evidence is currently insufficient to determine the role of this variant in disease. Therefore, it has been classified as a Variant of Uncertain Significance.